The following is an entry in ClinVar:

ClinVar aggregate classification (germline): Uncertain significance. Review status: criteria provided, multiple submitters, no conflicts (2 of 4 stars). 3 submissions from 3 submitters: Uncertain significance (3). Last evaluated 2024-06-05.

Conditions:
Inborn genetic diseases. Identifiers: MedGen C0950123, MeSH D030342.
Arterial calcification, generalized, of infancy, 2. Identifiers: Orphanet 51608, MedGen C3276161, MONDO:0013768, OMIM 614473.
Autosomal recessive inherited pseudoxanthoma elasticum (PXE). Identifiers: Orphanet 758, MedGen CN032334, MONDO:0009925, OMIM 264800.
Pseudoxanthoma elasticum, forme fruste. Also called: PSEUDOXANTHOMA ELASTICUM, HETEROZYGOUS; Pseudoxanthoma Elasticum, Incomplete. Identifiers: Orphanet 758, MedGen C1867450, MONDO:0008333, OMIM 177850.

Allele frequency attached by ClinVar (database versions not stated): gnomAD exomes 0.00002 and 0.00001; ExAC 0.00003; gnomAD 0.00011; TOPMed 0.00013; ESP Exome Variant Server 0.00015; 1000 Genomes Project 0.00020; 1000 Genomes Project 30x 0.00016.
gnomAD v4.1: 32 of 1,613,630 alleles (0.002%); highest among the groups gnomAD compares: African/African-American, 0.041%; no homozygotes.

Submissions (3):

Fulgent Genetics
Classification: Uncertain significance for Pseudoxanthoma elasticum, forme fruste; Autosomal recessive inherited pseudoxanthoma elasticum; Arterial calcification, generalized, of infancy, 2. Last evaluated: 2024-06-05. Review status: criteria provided, single submitter. Criteria: ACMG Guidelines, 2015. Collection method: clinical testing. Allele origin: germline.

Labcorp Genetics (formerly Invitae), Labcorp
Classification: Uncertain significance. Last evaluated: 2024-06-04. Review status: criteria provided, single submitter. Criteria: Invitae Variant Classification Sherloc (09022015). Collection method: clinical testing. Allele origin: germline.
Comment: This sequence change replaces proline, which is neutral and non-polar, with alanine, which is neutral and non-polar, at codon 1260 of the ABCC6 protein (p.Pro1260Ala). This variant is present in population databases (rs149151337, gnomAD 0.05%). This variant has not been reported in the literature in individuals affected with ABCC6-related conditions. ClinVar contains an entry for this variant (Variation ID: 1020006). Advanced modeling of protein sequence and biophysical properties (such as structural, functional, and spatial information, amino acid conservation, physicochemical variation, residue mobility, and thermodynamic stability) performed at Invitae indicates that this missense variant is expected to disrupt ABCC6 protein function with a positive predictive value of 95%. In summary, the available evidence is currently insufficient to determine the role of this variant in disease. Therefore, it has been classified as a Variant of Uncertain Significance.

Ambry Genetics
Classification: Uncertain significance for Inborn genetic diseases. Last evaluated: 2023-12-12. Review status: criteria provided, single submitter. Criteria: Ambry Variant Classification Scheme 2023. Collection method: clinical testing. Allele origin: germline.

NM_001171.6(ABCC6):c.3778C>G (p.Pro1260Ala)

Gene: ABCC6 (ATP binding cassette subfamily C member 6; minus strand). Cytogenetic location: 16p13.11.
Variant type: single nucleotide variant.
Coding change: c.3778C>G on transcript NM_001171.6 (MANE Select); coding-DNA position 3778, C replaced by G.
Protein change: p.Pro1260Ala; replaces proline 1260 with alanine.
Molecular consequence: missense variant. On other transcripts: non-coding transcript variant (1).
Genome position (GRCh38, 1-based): chr16:16,157,767, G>C on the plus strand (C>G on the coding strand, the complement: ABCC6 is on the minus strand). VCF-style: chr16-16157767-G-C. GRCh37 (hg19) VCF-style: chr16-16251624-G-C.
Other names: c.3778C>G (NM_001171.5); c.3436C>G, p.Pro1146Ala (NM_001351800.1); short protein forms P1146A, P1260A.
Identifiers: ClinVar variation 1020006 (VCV001020006.10), dbSNP rs149151337, ClinGen allele CA7925419.